The following is an entry in ClinVar:

NM_001355469.2(GOLGA8T):c.1440C>T (p.Ile480=)

Gene: GOLGA8T (golgin A8 family member T; plus strand). Cytogenetic location: 15q13.2.
Variant type: single nucleotide variant.
Coding change: c.1440C>T on transcript NM_001355469.2 (MANE Select); coding-DNA position 1440, C replaced by T.
Protein change: p.Ile480=; no amino-acid change (isoleucine 480 retained).
Molecular consequence: synonymous variant.
Genome position (GRCh38, 1-based): chr15:30,144,850, C>T. VCF-style: chr15-30144850-C-T. GRCh37 (hg19) VCF-style: chr15-30437053-C-T.
Identifiers: ClinVar variation 2645102 (VCV002645102.24), dbSNP rs2504301856, ClinGen allele CA489640214.

ClinVar aggregate classification (germline): Likely benign (1 of 4 stars; one submission).

Submission:

CeGaT Center for Human Genetics Tuebingen
Classification: Likely benign. Last evaluated: 2023-06-01. Review status: criteria provided, single submitter. Criteria: CeGaT Center For Human Genetics Tuebingen Variant Classification Criteria Version 2. Collection method: clinical testing. Allele origin: germline. Affected: yes. Observed: 1 variant allele.
Comment: GOLGA8T: BP4, BP7